The following is an entry in ClinVar:

ClinVar aggregate classification (germline): Uncertain significance (1 of 4 stars; one submission).

Conditions:
Inborn genetic diseases. Identifiers: MedGen C0950123, MeSH D030342.

Submission:

Ambry Genetics
Classification: Uncertain significance for Inborn genetic diseases. Last evaluated: 2020-01-24. Review status: criteria provided, single submitter. Criteria: Ambry Variant Classification Scheme 2023. Collection method: clinical testing. Allele origin: germline.
Comment: The p.N1742S variant (also known as c.5225A>G), located in coding exon 26 of the SCN9A gene, results from an A to G substitution at nucleotide position 5225. The asparagine at codon 1742 is replaced by serine, an amino acid with highly similar properties. This amino acid position is well conserved in available vertebrate species. In addition, this alteration is predicted to be deleterious by in silico analysis. Since supporting evidence is limited at this time, the clinical significance of this alteration remains unclear.

NM_001365536.1(SCN9A):c.5258A>G (p.Asn1753Ser)

Genes: SCN1A-AS1 (SCN1A and SCN9A antisense RNA 1; plus strand), SCN9A (sodium voltage-gated channel alpha subunit 9; minus strand). Cytogenetic location: 2q24.3.
Variant type: single nucleotide variant.
Coding change: c.5258A>G on transcript NM_001365536.1 (MANE Select); coding-DNA position 5258, A replaced by G.
Protein change: p.Asn1753Ser; replaces asparagine 1753 with serine.
Molecular consequence: missense variant.
Genome position (GRCh38, 1-based): chr2:166,199,381, T>C on the plus strand (A>G on the coding strand, the complement: SCN9A is on the minus strand). VCF-style: chr2-166199381-T-C. GRCh37 (hg19) VCF-style: chr2-167055891-T-C.
Other names: c.5225A>G, p.Asn1742Ser (NM_002977.4); short protein forms N1742S, N1753S.
Identifiers: ClinVar variation 1746173 (VCV001746173.2), dbSNP rs1693368310, ClinGen allele CA349053917.
Genomic context (GRCh38, chr2:166,199,381, plus strand): 5'-GGTTCAGTACTTTCTTCAGTGGCAACACTAAAATTCTCCAGTATGACTGCAATGTACATG[T>C]TCACCACAACCAGGAAGGATATGATGATATAACTAACAAAGTAGAATATTCCAACAGATG-3'
Protein context (NP_001352465.1, residues 1743-1763): YIIISFLVVV[Asn1753Ser]MYIAVILENF